The following is an entry in ClinVar:

ClinVar aggregate classification (germline): Uncertain significance. Review status: criteria provided, multiple submitters, no conflicts (2 of 4 stars). 2 submissions from 2 submitters: Uncertain significance (2). Last evaluated 2025-10-17.

Conditions:
Charcot-Marie-Tooth disease axonal type 2O. Also called: Charcot-Marie-Tooth disease, axonal, type 20; CHARCOT-MARIE-TOOTH NEUROPATHY, AXONAL, TYPE 2O; CHARCOT-MARIE-TOOTH DISEASE, AXONAL, AUTOSOMAL DOMINANT, TYPE 2O; Charcot-Marie-Tooth Neuropathy Type 2O. Identifiers: Orphanet 284232, MedGen C3280220, MONDO:0013644, OMIM 614228.

gnomAD v4.1: 1 of 1,614,008 alleles (0.000062%); highest among the groups gnomAD compares: Non-Finnish European, 0.000085%; no homozygotes.

Submissions (2):

Labcorp Genetics (formerly Invitae), Labcorp
Classification: Uncertain significance for Charcot-Marie-Tooth disease axonal type 2O. Last evaluated: 2025-10-17. Review status: criteria provided, single submitter. Criteria: Invitae Variant Classification Sherloc (09022015). Collection method: clinical testing. Allele origin: germline.
Comment: This sequence change replaces methionine, which is neutral and non-polar, with valine, which is neutral and non-polar, at codon 691 of the DYNC1H1 protein (p.Met691Val). This variant is not present in population databases (gnomAD no frequency). This variant has not been reported in the literature in individuals affected with DYNC1H1-related conditions. ClinVar contains an entry for this variant (Variation ID: 2107577). Invitae Evidence Modeling of protein sequence and biophysical properties (such as structural, functional, and spatial information, amino acid conservation, physicochemical variation, residue mobility, and thermodynamic stability) indicates that this missense variant is not expected to disrupt DYNC1H1 protein function with a negative predictive value of 95%. In summary, the available evidence is currently insufficient to determine the role of this variant in disease. Therefore, it has been classified as a Variant of Uncertain Significance.

GeneDx
Classification: Uncertain significance. Last evaluated: 2023-01-09. Review status: criteria provided, single submitter. Criteria: GeneDx Variant Classification Process June 2021. Collection method: clinical testing. Allele origin: germline. Affected: yes.
Comment: Not observed at significant frequency in large population cohorts (gnomAD); In silico analysis supports that this missense variant does not alter protein structure/function; Has not been previously published as pathogenic or benign to our knowledge; This variant is associated with the following publications: (PMID: 26100331, 25609763, 25512093)

NM_001376.5(DYNC1H1):c.2071A>G (p.Met691Val)

Gene: DYNC1H1 (dynein cytoplasmic 1 heavy chain 1; plus strand). Cytogenetic location: 14q32.31.
Variant type: single nucleotide variant.
Coding change: c.2071A>G on transcript NM_001376.5 (MANE Select); coding-DNA position 2071, A replaced by G.
Protein change: p.Met691Val; replaces methionine 691 with valine.
Molecular consequence: missense variant.
Genome position (GRCh38, 1-based): chr14:101,986,296, A>G. VCF-style: chr14-101986296-A-G. GRCh37 (hg19) VCF-style: chr14-102452633-A-G.
Other names: short protein forms M691V.
Identifiers: ClinVar variation 2107577 (VCV002107577.5), dbSNP rs745510694, ClinGen allele CA391020634.